The following is an entry in ClinVar:

ClinVar aggregate classification (germline): Uncertain significance (1 of 4 stars; one submission).

Submission:

Labcorp Genetics (formerly Invitae), Labcorp
Classification: Uncertain significance. Last evaluated: 2021-11-13. Review status: criteria provided, single submitter. Criteria: Invitae Variant Classification Sherloc (09022015). Collection method: clinical testing. Allele origin: germline.
Comment: In summary, the available evidence is currently insufficient to determine the role of this variant in disease. Therefore, it has been classified as a Variant of Uncertain Significance. Algorithms developed to predict the effect of missense changes on protein structure and function output the following: SIFT: "Tolerated"; PolyPhen-2: "Benign"; Align-GVGD: "Class C0". The tyrosine amino acid residue is found in multiple mammalian species, which suggests that this missense change does not adversely affect protein function. This variant has not been reported in the literature in individuals affected with EYS-related conditions. This variant is not present in population databases (gnomAD no frequency). This sequence change replaces cysteine, which is neutral and slightly polar, with tyrosine, which is neutral and polar, at codon 581 of the EYS protein (p.Cys581Tyr).

NM_001142800.2(EYS):c.1742G>A (p.Cys581Tyr)

Gene: EYS (EGF-like photoreceptor maintenance factor; minus strand). Cytogenetic location: 6q12.
Variant type: single nucleotide variant.
Coding change: c.1742G>A on transcript NM_001142800.2 (MANE Select); coding-DNA position 1742, G replaced by A.
Protein change: p.Cys581Tyr; replaces cysteine 581 with tyrosine.
Molecular consequence: missense variant.
Genome position (GRCh38, 1-based): chr6:65,335,004, C>T on the plus strand (G>A on the coding strand, the complement: EYS is on the minus strand). VCF-style: chr6-65335004-C-T. GRCh37 (hg19) VCF-style: chr6-66044897-C-T.
Other names: c.1742G>A, p.Cys581Tyr (NM_001142801.2, NM_001292009.2, NM_198283.2); short protein forms C581Y.
Identifiers: ClinVar variation 1463505 (VCV001463505.6), dbSNP rs2150313605, ClinGen allele CA364660950.
Genomic context (GRCh38, chr6:65,335,004, plus strand): 5'-TATGTGATATTATCTGCTCAAATGATACATAAATACCTGGGTCTATTAATTTCATCTTTA[C>T]AAACAGCTTCATGTTGACACTCATTTTCTTGATCATCAGTTGTATTTTCCAGATACATGT-3'
Protein context (NP_001136272.1, residues 571-591): QENECQHEAV[Cys581Tyr]KDEINRPRCS